The following is an entry in ClinVar:

ClinVar aggregate classification (germline): Uncertain significance (1 of 4 stars; one submission).

Conditions:
Early Myoclonic Encephalopathy. Identifiers: MedGen C0270855.

Allele frequency attached by ClinVar (database versions not stated): gnomAD exomes 0.00001 and below 0.00001; ESP Exome Variant Server 0.00008; ExAC 0.00002.
gnomAD v4.1: 2 of 1,614,118 alleles (0.00012%); highest among the groups gnomAD compares: Non-Finnish European, 0.000085%; no homozygotes.

Submission:

Labcorp Genetics (formerly Invitae), Labcorp
Classification: Uncertain significance for Early Myoclonic Encephalopathy. Last evaluated: 2019-11-06. Review status: criteria provided, single submitter. Criteria: Invitae Variant Classification Sherloc (09022015). Collection method: clinical testing. Allele origin: germline.
Comment: This sequence change replaces threonine with isoleucine at codon 798 of the JMJD1C protein (p.Thr798Ile). The threonine residue is moderately conserved and there is a moderate physicochemical difference between threonine and isoleucine. This variant is present in population databases (rs371370423, ExAC 0.006%). This variant has not been reported in the literature in individuals with JMJD1C-related conditions. Algorithms developed to predict the effect of missense changes on protein structure and function are either unavailable or do not agree on the potential impact of this missense change (SIFT: "Deleterious"; PolyPhen-2: "Benign"; Align-GVGD: "Class C0"). In summary, the available evidence is currently insufficient to determine the role of this variant in disease. Therefore, it has been classified as a Variant of Uncertain Significance.

NM_032776.3(JMJD1C):c.2393C>T (p.Thr798Ile)

Gene: JMJD1C (jumonji domain containing 1C; minus strand). Cytogenetic location: 10q21.3.
Variant type: single nucleotide variant.
Coding change: c.2393C>T on transcript NM_032776.3 (MANE Select); coding-DNA position 2393, C replaced by T.
Protein change: p.Thr798Ile; replaces threonine 798 with isoleucine.
Molecular consequence: missense variant. On other transcripts: non-coding transcript variant (1).
Genome position (GRCh38, 1-based): chr10:63,213,774, G>A on the plus strand (C>T on the coding strand, the complement: JMJD1C is on the minus strand). VCF-style: chr10-63213774-G-A. GRCh37 (hg19) VCF-style: chr10-64973534-G-A.
Other names: c.1847C>T, p.Thr616Ile (NM_001282948.2, NM_001318154.2); c.1529C>T, p.Thr510Ile (NM_001318153.2); c.2279C>T, p.Thr760Ile (NM_001322252.2); c.1736C>T, p.Thr579Ile (NM_001322254.2, NM_001322258.2); short protein forms T760I, T616I, T510I, T798I, T579I.
Identifiers: ClinVar variation 967757 (VCV000967757.9), dbSNP rs371370423, ClinGen allele CA5518638.
Genomic context (GRCh38, chr10:63,213,774, plus strand): 5'-GCACTCTCTAGTCGTGGGTGGCCACCAAGTAAGGAGGCAGTAGGCACTCCAGGTAACACA[G>A]TGGGAAGTAAATGAGGGTGATGAACAGCATGGTGTGGACCACTAGTCAGAGGATGAGTGT-3'
Protein context (NP_116165.1, residues 788-808): HAVHHPHLLP[Thr798Ile]VLPGVPTASL